The following is an entry in ClinVar:

NM_006767.4(LZTR1):c.227A>G (p.Tyr76Cys)

Gene: LZTR1 (leucine zipper like post translational regulator 1; plus strand). Cytogenetic location: 22q11.21.
Variant type: single nucleotide variant.
Coding change: c.227A>G on transcript NM_006767.4 (MANE Select); coding-DNA position 227, A replaced by G.
Protein change: p.Tyr76Cys; replaces tyrosine 76 with cysteine.
Molecular consequence: missense variant.
Genome position (GRCh38, 1-based): chr22:20,983,053, A>G. VCF-style: chr22-20983053-A-G. GRCh37 (hg19) VCF-style: chr22-21337342-A-G.
Other names: short protein forms Y76C.
Identifiers: ClinVar variation 1788901 (VCV001788901.7), dbSNP rs200965586, ClinGen allele CA10118314.
Genomic context (GRCh38, chr22:20,983,053, plus strand): 5'-CTGTCCTTACCGCCCTCCACTCCTTTCTTTCCAGGCGCAGCAAGCACACAGTGGTGGCCT[A>G]TAAAGATGCCATTTATGTATTTGGTGGAGACAATGGGTGAGTGAGTCTCAGCATCAGTGT-3'
Protein context (NP_006758.2, residues 66-86): ARRSKHTVVA[Tyr76Cys]KDAIYVFGGD

ClinVar aggregate classification (germline): Uncertain significance. Review status: criteria provided, multiple submitters, no conflicts (2 of 4 stars). 2 submissions from 2 submitters: Uncertain significance (2). Last evaluated 2024-04-29.

Conditions:
Hereditary cancer-predisposing syndrome. Also called: Hereditary Cancer Syndrome; Hereditary neoplastic syndrome; Tumor predisposition; Neoplastic Syndromes, Hereditary. Identifiers: Orphanet 140162, MedGen C0027672, MeSH D009386, MONDO:0015356.
Cardiovascular phenotype. Identifiers: MedGen CN230736.

Allele frequency attached by ClinVar (database versions not stated): gnomAD exomes below 0.00001; ExAC 0.00001; 1000 Genomes Project 30x 0.00016; 1000 Genomes Project 0.00020.
gnomAD v4.1: 1 of 1,614,158 alleles (0.000062%); highest among the groups gnomAD compares: Non-Finnish European, 0.000085%; no homozygotes.

Submissions (2):

Labcorp Genetics (formerly Invitae), Labcorp
Classification: Uncertain significance. Last evaluated: 2024-04-29. Review status: criteria provided, single submitter. Criteria: Invitae Variant Classification Sherloc (09022015). Collection method: clinical testing. Allele origin: germline.
Comment: This sequence change replaces tyrosine, which is neutral and polar, with cysteine, which is neutral and slightly polar, at codon 76 of the LZTR1 protein (p.Tyr76Cys). This variant is present in population databases (rs200965586, gnomAD 0.007%). This variant has not been reported in the literature in individuals affected with LZTR1-related conditions. ClinVar contains an entry for this variant (Variation ID: 1788901). Advanced modeling of protein sequence and biophysical properties (such as structural, functional, and spatial information, amino acid conservation, physicochemical variation, residue mobility, and thermodynamic stability) performed at Invitae indicates that this missense variant is not expected to disrupt LZTR1 protein function with a negative predictive value of 80%. In summary, the available evidence is currently insufficient to determine the role of this variant in disease. Therefore, it has been classified as a Variant of Uncertain Significance.

Ambry Genetics
Classification: Uncertain significance for Cardiovascular phenotype; Hereditary cancer-predisposing syndrome. Last evaluated: 2022-04-02. Review status: criteria provided, single submitter. Criteria: Ambry Variant Classification Scheme 2023. Collection method: clinical testing. Allele origin: germline.
Comment: The p.Y76C variant (also known as c.227A>G), located in coding exon 2 of the LZTR1 gene, results from an A to G substitution at nucleotide position 227. The tyrosine at codon 76 is replaced by cysteine, an amino acid with highly dissimilar properties. This amino acid position is conserved. In addition, this alteration is predicted to be deleterious by in silico analysis. Since supporting evidence is limited at this time, the clinical significance of this alteration remains unclear.